The following is an entry in ClinVar:

ClinVar aggregate classification (germline): Conflicting classifications of pathogenicity. Review status: criteria provided, conflicting classifications (1 of 4 stars). 2 submissions from 2 submitters: Likely pathogenic (1); Uncertain significance (1). Last evaluated 2025-05-28.

Conditions:
Neurofibromatosis, type 1 (NF1). Also called: NEUROFIBROMATOSIS, TYPE I, SOMATIC; Peripheral type neurofibromatosis; VON RECKLINGHAUSEN DISEASE; Neurofibromatosis, type I. Identifiers: Orphanet 636, MedGen C0027831, MONDO:0018975, OMIM 162200. Disease mechanism: loss of function.

Allele frequency attached by ClinVar (database versions not stated): gnomAD exomes below 0.00001.
gnomAD v4.1: 1 of 1,609,510 alleles (0.000062%); highest among the groups gnomAD compares: Non-Finnish European, 0.000085%; no homozygotes.

Submissions (2):

Variantyx, Inc.
Classification: Likely pathogenic for Neurofibromatosis, type 1. Last evaluated: 2025-05-28. Review status: criteria provided, single submitter. Criteria: Variantyx Assertion Criteria 2022. Collection method: clinical testing. Allele origin: de novo. Inheritance: Autosomal dominant inheritance. Affected: yes.
Comment: This is an intronic variant in the NF1 gene (OMIM: 613113). Pathogenic variants in this gene have been associated with autosomal dominant neurofibromatosis type 1. Algorithms that predict the potential impact of sequence variants on RNA splicing suggest that this variant may disrupt normal splicing (PP3), conferring a loss of function, which is a known disease mechanism for NF1 in this disorder (PMID: 10712197, 23913538, 9463322, 10874316) (PVS1). This variant has a 0.0003% maximum allele frequency in non-founder control populations (PM2). Based on the current evidence, this variant is classified as likely pathogenic for autosomal dominant neurofibromatosis type 1.

Athena Diagnostics
Classification: Uncertain significance. Last evaluated: 2018-04-02. Review status: criteria provided, single submitter. Criteria: Athena Diagnostics Criteria. Collection method: clinical testing. Allele origin: germline.

Literature cited by the submitters: PubMed 10712197 (cited by Variantyx, Inc.); PubMed 23913538 (cited by Variantyx, Inc.); PubMed 9463322 (cited by Variantyx, Inc.); PubMed 10874316 (cited by Variantyx, Inc.).

NM_001042492.3(NF1):c.1722-24A>G

Gene: NF1 (neurofibromin 1; plus strand). Cytogenetic location: 17q11.2.
Variant type: single nucleotide variant.
Coding change: c.1722-24A>G on transcript NM_001042492.3 (MANE Select); 24 bases into the intron before coding-DNA position 1722, A replaced by G.
Molecular consequence: intron variant.
Genome position (GRCh38, 1-based): chr17:31,223,420, A>G. VCF-style: chr17-31223420-A-G. GRCh37 (hg19) VCF-style: chr17-29550438-A-G.
Other names: c.1722-24A>G (NM_000267.4).
Identifiers: ClinVar variation 586170 (VCV000586170.2), dbSNP rs1567845793, ClinGen allele CA891844356.